The following is an entry in ClinVar:

NM_001382567.1(STIM1):c.464G>T (p.Arg155Leu)

Gene: STIM1 (stromal interaction molecule 1; plus strand). Cytogenetic location: 11p15.4.
Variant type: single nucleotide variant.
Coding change: c.464G>T on transcript NM_001382567.1 (MANE Select); coding-DNA position 464, G replaced by T.
Protein change: p.Arg155Leu; replaces arginine 155 with leucine.
Molecular consequence: missense variant. On other transcripts: 5 prime UTR variant (2), non-coding transcript variant (3), intron variant (2).
Genome position (GRCh38, 1-based): chr11:4,055,604, G>T. VCF-style: chr11-4055604-G-T. GRCh37 (hg19) VCF-style: chr11-4076834-G-T.
Other names: c.464G>T, p.Arg155Leu (NM_001277961.3, NM_001277962.2, NM_001382568.1 and 2 more transcripts); c.242G>T, p.Arg81Leu (NM_001382566.1, NM_001382573.1, NM_001382574.1 and 5 more transcripts); c.329G>T, p.Arg110Leu (NM_001382569.1); c.-26G>T (NM_001382580.1, NM_001382581.1); c.386-14422G>T (NM_001382570.1); c.18-3677G>T (NM_001382571.1); short protein forms R110L, R155L, R81L.
Identifiers: ClinVar variation 3761576 (VCV003761576.2).

ClinVar aggregate classification (germline): Uncertain significance (1 of 4 stars; one submission).

Conditions:
Combined immunodeficiency due to STIM1 deficiency. Also called: STIM1 DEFICIENCY; IMMUNODEFICIENCY 10. Identifiers: Orphanet 169090, Orphanet 317430, MedGen C2748557, MONDO:0013008, OMIM 612783.
Stormorken syndrome (STRMK). Also called: THROMBOCYTOPATHY, ASPLENIA, AND MIOSIS. Identifiers: Orphanet 3204, MedGen C1861451, MONDO:0008497, OMIM 185070.
Myopathy with tubular aggregates (TAM). Also called: Tubular Aggregate Myopathy. Identifiers: Orphanet 2593, MedGen C0410207, MONDO:0008051.

gnomAD v4.1: 1 of 1,596,104 alleles (0.000063%); highest among the groups gnomAD compares: Admixed American, 0.0017%; no homozygotes.

Submission:

Labcorp Genetics (formerly Invitae), Labcorp
Classification: Uncertain significance for Myopathy with tubular aggregates; Combined immunodeficiency due to STIM1 deficiency; Stormorken syndrome. Last evaluated: 2024-08-31. Review status: criteria provided, single submitter. Criteria: Invitae Variant Classification Sherloc (09022015). Collection method: clinical testing. Allele origin: germline.
Comment: This sequence change replaces arginine, which is basic and polar, with leucine, which is neutral and non-polar, at codon 155 of the STIM1 protein (p.Arg155Leu). The frequency data for this variant in the population databases is considered unreliable, as metrics indicate poor data quality at this position in the gnomAD database. This variant has not been reported in the literature in individuals affected with STIM1-related conditions. Invitae Evidence Modeling of protein sequence and biophysical properties (such as structural, functional, and spatial information, amino acid conservation, physicochemical variation, residue mobility, and thermodynamic stability) has been performed for this missense variant. However, the output from this modeling did not meet the statistical confidence thresholds required to predict the impact of this variant on STIM1 protein function. In summary, the available evidence is currently insufficient to determine the role of this variant in disease. Therefore, it has been classified as a Variant of Uncertain Significance.